The following is an entry in ClinVar:

NM_000051.4(ATM):c.478T>G (p.Ser160Ala)

Gene: ATM (ATM serine/threonine kinase; plus strand). Cytogenetic location: 11q22.3.
Variant type: single nucleotide variant.
Coding change: c.478T>G on transcript NM_000051.4 (MANE Select); coding-DNA position 478, T replaced by G.
Protein change: p.Ser160Ala; replaces serine 160 with alanine.
Molecular consequence: missense variant.
Genome position (GRCh38, 1-based): chr11:108,235,816, T>G. VCF-style: chr11-108235816-T-G. GRCh37 (hg19) VCF-style: chr11-108106543-T-G.
Other names: c.478T>G, p.Ser160Ala (NM_001351834.2); short protein forms S160A.
Identifiers: ClinVar variation 629149 (VCV000629149.10), dbSNP rs761170769, ClinGen allele CA382525631.
Genomic context (GRCh38, chr11:108,235,816, plus strand): 5'-GATTGTAGCAACATACTACTCAAAGACATTCTTTCTGTGAGAAAATACTGGTGTGAAATA[T>G]CTCAGCAACAGTGGTTAGGTATGTTTTGAAGGTTGTTGTTTGTGAATTTTTCCTCATGAA-3'
Protein context (NP_000042.3, residues 150-170): LSVRKYWCEI[Ser160Ala]QQQWLELFSV

ClinVar aggregate classification (germline): Uncertain significance. Review status: criteria provided, multiple submitters, no conflicts (2 of 4 stars). 2 submissions from 2 submitters: Uncertain significance (2). Last evaluated 2025-07-27.

Conditions:
Hereditary cancer-predisposing syndrome. Also called: Tumor predisposition; Neoplastic Syndromes, Hereditary; Hereditary Cancer Syndrome; Hereditary neoplastic syndrome. Identifiers: Orphanet 140162, MedGen C0027672, MeSH D009386, MONDO:0015356.
Ataxia-telangiectasia syndrome (AT). Also called: ATAXIA-TELANGIECTASIA, COMPLEMENTATION GROUP A; ATAXIA-TELANGIECTASIA, FRESNO VARIANT; LOUIS-BAR SYNDROME; Ataxia telangiectasia (A-T); Cerebello-oculocutaneous telangiectasia; Immunodeficiency with ataxia telangiectasia. Identifiers: Orphanet 100, MedGen C0004135, MONDO:0008840, OMIM 208900.

Submissions (2):

Labcorp Genetics (formerly Invitae), Labcorp
Classification: Uncertain significance for Ataxia-telangiectasia syndrome. Last evaluated: 2025-07-27. Review status: criteria provided, single submitter. Criteria: Invitae Variant Classification Sherloc (09022015). Collection method: clinical testing. Allele origin: germline.
Comment: This sequence change replaces serine, which is neutral and polar, with alanine, which is neutral and non-polar, at codon 160 of the ATM protein (p.Ser160Ala). This variant is not present in population databases (gnomAD no frequency). This variant has not been reported in the literature in individuals affected with ATM-related conditions. ClinVar contains an entry for this variant (Variation ID: 629149). Invitae Evidence Modeling of protein sequence and biophysical properties (such as structural, functional, and spatial information, amino acid conservation, physicochemical variation, residue mobility, and thermodynamic stability) indicates that this missense variant is not expected to disrupt ATM protein function with a negative predictive value of 95%. In summary, the available evidence is currently insufficient to determine the role of this variant in disease. Therefore, it has been classified as a Variant of Uncertain Significance.

Color Diagnostics, LLC DBA Color Health
Classification: Uncertain significance for Hereditary cancer-predisposing syndrome. Last evaluated: 2023-12-05. Review status: criteria provided, single submitter. Criteria: ACMG Guidelines, 2015. Collection method: clinical testing. Allele origin: germline.
Comment: This missense variant replaces serine with alanine at codon 160 of the ATM protein. Computational prediction suggests that this variant may not impact protein structure and function (internally defined REVEL score threshold <= 0.5, PMID: 27666373). To our knowledge, functional studies have not been reported for this variant. This variant has not been reported in individuals affected with ATM-related disorders in the literature. This variant has not been identified in the general population by the Genome Aggregation Database (gnomAD). The available evidence is insufficient to determine the role of this variant in disease conclusively. Therefore, this variant is classified as a Variant of Uncertain Significance.